The following is an entry in ClinVar:

NC_000006.11:g.(?_64389734)_(64454916_?)dup

Genes: EYS (eyes shut homolog; minus strand), PHF3 (PHD finger protein 3; plus strand). Cytogenetic location: 6q12.
Variant type: Duplication.
Identifiers: ClinVar variation 831709 (VCV000831709.1).

ClinVar aggregate classification (germline): Uncertain significance (1 of 4 stars; one submission).

Submission:

Labcorp Genetics (formerly Invitae), Labcorp
Classification: Uncertain significance. Last evaluated: 2020-01-08. Review status: criteria provided, single submitter. Criteria: Invitae Variant Classification Sherloc (09022015). Collection method: clinical testing. Allele origin: germline.
Comment: This variant results in a copy number gain of the genomic region encompassing exons 42-43 of the EYS gene. The 5' boundary is likely confined to intron 41. The 3' end of this event is unknown as it extends beyond the assayed region for this gene and therefore may encompass additional genes. As the precise location of this event is unknown, it may be in tandem or it may be located elsewhere in the genome. This variant has not been reported in the literature in individuals with EYS-related conditions. In summary, the available evidence is currently insufficient to determine the role of this variant in disease. Therefore, it has been classified as a Variant of Uncertain Significance.